The following is an entry in ClinVar:

NM_000431.4(MVK):c.1127G>T (p.Gly376Val)

Gene: MVK (mevalonate kinase; plus strand). Cytogenetic location: 12q24.11.
Variant type: single nucleotide variant.
Coding change: c.1127G>T on transcript NM_000431.4 (MANE Select); coding-DNA position 1127, G replaced by T.
Protein change: p.Gly376Val; replaces glycine 376 with valine.
Molecular consequence: missense variant.
Genome position (GRCh38, 1-based): chr12:109,596,513, G>T. VCF-style: chr12-109596513-G-T. GRCh37 (hg19) VCF-style: chr12-110034318-G-T.
Other names: c.1127G>T, p.Gly376Val (NM_001114185.3); c.971G>T, p.Gly324Val (NM_001301182.2); short protein forms G376V, G324V.
Identifiers: ClinVar variation 97567 (VCV000097567.1), dbSNP rs104895340, ClinGen allele CA149781.

ClinVar aggregate classification (germline): not provided (0 of 4 stars; one submission).

Conditions:
Hyperimmunoglobulin D with periodic fever (HIDS). Also called: HYPERIMMUNOGLOBULINEMIA D AND PERIODIC FEVER SYNDROME; Hyperimmunoglobulinemia D; Hyperimmunoglobulinemia D with periodic fever. Identifiers: Orphanet 343, MedGen C0398691, MONDO:0009849, OMIM 260920.

Submission:

Unité médicale des maladies autoinflammatoires, CHRU Montpellier
No classification provided. Condition: Hyperimmunoglobulin D with periodic fever. Review status: no classification provided. Collection method: not provided. Allele origin: unknown.
Comment: also involved in OMIM 25117